The following is an entry in ClinVar:

NM_172107.4(KCNQ2):c.842G>A (p.Gly281Glu)

Gene: KCNQ2 (potassium voltage-gated channel subfamily Q member 2; minus strand). Cytogenetic location: 20q13.33.
Variant type: single nucleotide variant.
Coding change: c.842G>A on transcript NM_172107.4 (MANE Select); coding-DNA position 842, G replaced by A.
Protein change: p.Gly281Glu; replaces glycine 281 with glutamic acid.
Molecular consequence: missense variant.
Genome position (GRCh38, 1-based): chr20:63,439,683, C>T on the plus strand (G>A on the coding strand, the complement: KCNQ2 is on the minus strand). VCF-style: chr20-63439683-C-T. GRCh37 (hg19) VCF-style: chr20-62071036-C-T.
Other names: c.842G>A, p.Gly281Glu (NM_004518.6, NM_172106.3, NM_172108.5 and 1 more transcripts); c.842G>A (NM_172107.3); short protein forms G281E.
Identifiers: ClinVar variation 421991 (VCV000421991.3), dbSNP rs1064795489, ClinGen allele CA16620971.

ClinVar aggregate classification (germline): Pathogenic/Likely pathogenic. Review status: criteria provided, multiple submitters, no conflicts (2 of 4 stars). 2 submissions from 2 submitters: Pathogenic (1); Likely pathogenic (1). Last evaluated 2024-10-09.

Conditions:
Developmental and epileptic encephalopathy, 7 (DEE7). Also called: KCNQ2-Related Neonatal-Onset Developmental and Epileptic Encephalopathy (NEO-DEE); Early infantile epileptic encephalopathy 7; KCNQ2-Related Neonatal Epileptic Encephalopathy. Identifiers: Orphanet 439218, MedGen C3150986, MONDO:0013387, OMIM 613720.

Submissions (2):

Victorian Clinical Genetics Services, Murdoch Childrens Research Institute
Classification: Pathogenic for Developmental and epileptic encephalopathy, 7. Last evaluated: 2024-10-09. Review status: criteria provided, single submitter. Criteria: ACMG Guidelines, 2015. Collection method: clinical testing. Allele origin: germline. Inheritance: Autosomal dominant inheritance. Affected: yes.
Comment: Based on the classification scheme VCGS_Germline_v1.3.4, this variant is classified as Pathogenic. Following criteria are met: 0103 - Dominant negative and loss of function are known mechanisms of disease in this gene and are associated with developmental and epileptic encephalopathy 7 (MIM#613720) and benign neonatal seizures 1 (MIM#121200), respectively (PMID: 20437616). There is currently no phenotypic correlation in terms of variant types or location (PMID: 31418850). (I) 0107 - This gene is associated with autosomal dominant disease. (I) 0112 - The condition associated with this gene has incomplete penetrance; however, this is only reported for individuals with benign familial neonatal seizures 1 (PMID: 25959266). (I) 0200 - Variant is predicted to result in a missense amino acid change from glycine to glutamic acid. (I) 0251 - This variant is heterozygous. (I) 0301 - Variant is absent from gnomAD (v2, v3 and v4). (SP) 0501 - Missense variant consistently predicted to be damaging by multiple in silico tools or highly conserved with a major amino acid change. (SP) 0603 - Missense variant in a region that is highly intolerant to missense variation (high constraint region in DECIPHER). (SP) 0702 - Other missense variants comparable to the one identified in this case have strong previous evidence for pathogenicity. p.(Gly281Trp) and two nucleotide changes resulted in p.(Gly281Arg) have been reported as likely pathogenic/pathogenic by clinical testing laboratories and in individuals with epileptic encephalopathy (ClinVar, DECIPHER and PMID: 30478917). p.(Gly281Arg) due to c.841G>A has also been reported as VUS by a clinical testing laboratory; however, no further evidence was provided (ClinVar). (SP) 0802 - This variant has moderate previous evidence of pathogenicity in unrelated individuals. It has been reported as de novo in an individual with neonatal epileptic encephalopathy (PMIDs: 32863083, 35269516), and as likely pathogenic by a clinical testing laboratory (ClinVar). (SP) Legend: (SP) - Supporting pathogenic, (I) - Information, (SB) - Supporting benign

GeneDx
Classification: Likely pathogenic. Last evaluated: 2016-08-11. Review status: criteria provided, single submitter. Criteria: GeneDx Variant Classification (06012015). Collection method: clinical testing. Allele origin: germline. Affected: yes.
Comment: The G281E variant has not been published as a pathogenic variant, nor has it been reported as a benign variant to our knowledge. It was not observed in approximately 6,500 individuals of European and African American ancestry in the NHLBI Exome Sequencing Project, indicating it is not a common benign variant in these populations. The G281E variant is a non-conservative amino acid substitution, which is likely to impact secondary protein structure as these residues differ in polarity, charge, size and/or other properties. This substitution alters a conserved position within the pore-forming segment H5 intramemebrane and in silico analysis predicts this variant is probably damaging to the protein structure/function. Furthermore, missense variants in the same residue (G281W, G281R) and nearby residues (T276I, T277I, G279C, Y284C, P285H) have been reported in the Human Gene Mutation Database in association with KCNQ2-related disorder (Stenson et al., 2014), supporting the functional importance of this region of the protein. Therefore, this variant is likely pathogenic; however, the possibility that it is benign cannot be excluded.

Literature cited by the submitters: PubMed 20437616 (cited by Victorian Clinical Genetics Services, Murdoch Childrens Research Institute); PubMed 25959266 (cited by Victorian Clinical Genetics Services, Murdoch Childrens Research Institute); PubMed 30478917 (cited by Victorian Clinical Genetics Services, Murdoch Childrens Research Institute); PubMed 31418850 (cited by Victorian Clinical Genetics Services, Murdoch Childrens Research Institute); PubMed 32863083 (cited by Victorian Clinical Genetics Services, Murdoch Childrens Research Institute); PubMed 35269516 (cited by Victorian Clinical Genetics Services, Murdoch Childrens Research Institute).